The following is an entry in ClinVar:

NM_001101362.3(KBTBD13):c.1019A>G (p.Gln340Arg)

Gene: KBTBD13 (kelch repeat and BTB domain containing 13; plus strand). Cytogenetic location: 15q22.31.
Variant type: single nucleotide variant.
Coding change: c.1019A>G on transcript NM_001101362.3 (MANE Select); coding-DNA position 1019, A replaced by G.
Protein change: p.Gln340Arg; replaces glutamine 340 with arginine.
Molecular consequence: missense variant.
Genome position (GRCh38, 1-based): chr15:65,077,834, A>G. VCF-style: chr15-65077834-A-G. GRCh37 (hg19) VCF-style: chr15-65370172-A-G.
Other names: short protein forms Q340R.
Identifiers: ClinVar variation 5008584 (VCV005008584.1).

ClinVar aggregate classification (germline): Uncertain significance (1 of 4 stars; one submission).

Submission:

GeneDx
Classification: Uncertain significance. Last evaluated: 2026-03-06. Review status: criteria provided, single submitter. Criteria: GeneDx Variant Classification Process June 2021. Collection method: clinical testing. Allele origin: germline.
Comment: Not observed at significant frequency in large population cohorts (gnomAD); In silico analysis suggests that this missense variant does not alter protein structure/function; Has not been previously published as pathogenic or benign to our knowledge; This variant is associated with the following publications: (PMID: 22542517)